The following is an entry in ClinVar:

NM_001267550.2(TTN):c.76210del (p.Tyr25404fs)

Genes: TTN (titin; minus strand), TTN-AS1 (TTN antisense RNA 1; plus strand). Cytogenetic location: 2q31.2.
Variant type: Deletion.
Coding change: c.76210del on transcript NM_001267550.2 (MANE Select); coding-DNA position 76210, one base deleted (T; older notation c.76210delT).
Protein change: p.Tyr25404fs; shifts the reading frame from tyrosine 25404.
Molecular consequence: frameshift variant.
Genome position (GRCh38, 1-based): chr2:178,569,922, A deleted on the plus strand (T on the coding strand, the reverse complement: TTN is on the minus strand); the first of 3 consecutive A bases (chr2:178,569,922-178,569,924); deleting any one gives the same sequence. VCF-style (leftmost placement, unchanged base first): chr2-178569921-TA-T. GRCh37 (hg19) VCF-style: chr2-179434648-TA-T.
Other names: c.71287del, p.Tyr23763fs (NM_001256850.1); c.49015del, p.Tyr16339fs (NM_003319.4); c.68506del, p.Tyr22836fs (NM_133378.4); c.49390del, p.Tyr16464fs (NM_133432.3); c.49591del, p.Tyr16531fs (NM_133437.4); short protein forms Y22836fs, Y16464fs, Y25404fs, Y16339fs, Y23763fs, Y16531fs.
Identifiers: ClinVar variation 2952397 (VCV002952397.3), dbSNP rs2468426738, ClinGen allele CA2740096343.

ClinVar aggregate classification (germline): Likely pathogenic (1 of 4 stars; one submission).

Conditions:
Autosomal recessive limb-girdle muscular dystrophy type 2J (LGMDR10). Also called: Limb-girdle muscular dystrophy, type 2J; MUSCULAR DYSTROPHY, LIMB-GIRDLE, AUTOSOMAL RECESSIVE 10. Identifiers: Orphanet 140922, MedGen C1837342, MONDO:0012127, OMIM 608807.
Dilated cardiomyopathy 1G (CMD1G). Identifiers: Orphanet 154, MedGen C1858763, MONDO:0011400, OMIM 604145.

Submission:

Labcorp Genetics (formerly Invitae), Labcorp
Classification: Likely pathogenic for Dilated cardiomyopathy 1G; Autosomal recessive limb-girdle muscular dystrophy type 2J. Last evaluated: 2023-09-30. Review status: criteria provided, single submitter. Criteria: Invitae Variant Classification Sherloc (09022015). Collection method: clinical testing. Allele origin: germline.
Comment: This variant is not present in population databases (gnomAD no frequency). This variant has not been reported in the literature in individuals affected with TTN-related conditions. In summary, the currently available evidence indicates that the variant is pathogenic, but additional data are needed to prove that conclusively. Therefore, this variant has been classified as Likely Pathogenic. This sequence change creates a premature translational stop signal (p.Tyr25404Ilefs*12) in the TTN gene. While this is not anticipated to result in nonsense mediated decay, it is expected to create a truncated TTN protein. This variant is located in the A band of TTN (PMID: 25589632). Truncating variants in this region are significantly overrepresented in patients affected with dilated cardiomyopathy (PMID: 25589632). Truncating variants in this region have also been reported in individuals affected with autosomal recessive centronuclear myopathy (PMID: 23975875).

Literature cited by the submitters: PubMed 25589632; PubMed 23975875.